The following is an entry in ClinVar:

ClinVar aggregate classification (germline): Likely benign. Review status: criteria provided, multiple submitters, no conflicts (2 of 4 stars). 3 submissions from 3 submitters: Likely benign (3). Last evaluated 2026-04-01.

Allele frequency attached by ClinVar (database versions not stated): 1000 Genomes Project 30x 0.00016; 1000 Genomes Project 0.00020; ExAC 0.00052; gnomAD exomes 0.00058; gnomAD 0.00062 and 0.00063; TOPMed 0.00063; ESP Exome Variant Server 0.00069.
gnomAD v4.1: 1,903 of 1,613,976 alleles (0.12%); highest among the groups gnomAD compares: Non-Finnish European, 0.15%; no homozygotes.

Submissions (3):

CeGaT Center for Human Genetics Tuebingen
Classification: Likely benign. Last evaluated: 2026-04-01. Review status: criteria provided, single submitter. Criteria: CeGaT Center For Human Genetics Tuebingen Variant Classification Criteria Version 2. Collection method: clinical testing. Allele origin: germline. Affected: yes. Observed: 2 variant alleles.
Comment: CIT: BP4

Labcorp Genetics (formerly Invitae), Labcorp
Classification: Likely benign. Last evaluated: 2025-11-25. Review status: criteria provided, single submitter. Criteria: Invitae Variant Classification Sherloc (09022015). Collection method: clinical testing. Allele origin: germline.

GeneDx
Classification: Likely benign. Last evaluated: 2019-09-03. Review status: criteria provided, single submitter. Criteria: GeneDx Variant Classification Process June 2021. Collection method: clinical testing. Allele origin: germline. Affected: yes.

NM_001206999.2(CIT):c.1029C>T (p.Cys343=)

Gene: CIT (citron rho-interacting serine/threonine kinase; minus strand). Cytogenetic location: 12q24.23.
Variant type: single nucleotide variant.
Coding change: c.1029C>T on transcript NM_001206999.2 (MANE Select); coding-DNA position 1029, C replaced by T.
Protein change: p.Cys343=; no amino-acid change (cysteine 343 retained).
Molecular consequence: synonymous variant.
Genome position (GRCh38, 1-based): chr12:119,822,902, G>A on the plus strand (C>T on the coding strand, the complement: CIT is on the minus strand). VCF-style: chr12-119822902-G-A. GRCh37 (hg19) VCF-style: chr12-120260706-G-A.
Other names: c.1029C>T, p.Cys343= (NM_007174.3).
Identifiers: ClinVar variation 791053 (VCV000791053.33), dbSNP rs145804827, ClinGen allele CA6822220.